The following is an entry in ClinVar:

NM_000263.4(NAGLU):c.37_40dup (p.Leu14fs)

Genes: NAGLU (N-acetyl-alpha-glucosaminidase; plus strand), LOC130060903 (ATAC-STARR-seq lymphoblastoid silent region 8533; plus strand). Cytogenetic location: 17q21.2.
Variant type: Duplication.
Coding change: c.37_40dup on transcript NM_000263.4 (MANE Select); coding-DNA positions 37 to 40, 4 bases duplicated (CTTC; older notation c.37_40dupCTTC).
Protein change: p.Leu14fs; shifts the reading frame from leucine 14.
Molecular consequence: frameshift variant.
Genome position (GRCh38, 1-based): chr17:42,536,309-42,536,312, CTTC duplicated; duplicating any 4 consecutive bases within chr17:42,536,307-42,536,312 gives the same sequence; the c. name uses the placement nearest the transcript's 3' end. VCF-style (leftmost placement, unchanged base first): chr17-42536306-G-GTCCT. GRCh37 (hg19) VCF-style: chr17-40688324-G-GTCCT.
Other names: short protein forms L14fs.
Identifiers: ClinVar variation 3754334 (VCV003754334.3).

ClinVar aggregate classification (germline): Pathogenic. Review status: criteria provided, multiple submitters, no conflicts (2 of 4 stars). 2 submissions from 2 submitters: Pathogenic (2). Last evaluated 2024-11-23.

Conditions:
Charcot-Marie-Tooth disease axonal type 2V. Also called: CHARCOT-MARIE-TOOTH NEUROPATHY, TYPE 2V; CHARCOT-MARIE-TOOTH DISEASE, AXONAL, AUTOSOMAL DOMINANT, TYPE 2V. Identifiers: Orphanet 447964, MedGen C5569050, MONDO:0014665, OMIM 616491.
Mucopolysaccharidosis, MPS-III-B (MPS3B). Also called: N-ACETYL-ALPHA-D-GLUCOSAMINIDASE DEFICIENCY; NAGLU DEFICIENCY; SANFILIPPO SYNDROME B; MPS III B; Mucopolysaccharidosis type IIIB (Sanfilippo B); MUCOPOLYSACCHARIDOSIS, TYPE IIIB. Identifiers: Orphanet 79270, MedGen C0086648, MONDO:0009656, OMIM 252920.

Submissions (2):

Myriad Genetics, Inc.
Classification: Pathogenic for Mucopolysaccharidosis, MPS-III-B. Last evaluated: 2024-11-23. Review status: criteria provided, single submitter. Criteria: Myriad Autosomal Dominant, Autosomal Recessive and X-Linked Classification Criteria (2023). Collection method: clinical testing. Allele origin: unknown.
Comment: NM_000263.3(NAGLU):c.37_40dupCTTC(L14Pfs*179) is expected to be pathogenic in the context of mucopolysaccharidosis type IIIB. This variant is predicted to lead to an abnormal or absent protein product due to the creation of a premature termination codon in NAGLU, a gene where loss-of-function variants are known to be pathogenic. Please note: this variant was assessed in the context of healthy population screening.

Labcorp Genetics (formerly Invitae), Labcorp
Classification: Pathogenic for Charcot-Marie-Tooth disease axonal type 2V; Mucopolysaccharidosis, MPS-III-B. Last evaluated: 2024-04-25. Review status: criteria provided, single submitter. Criteria: Invitae Variant Classification Sherloc (09022015). Collection method: clinical testing. Allele origin: germline.
Comment: This sequence change creates a premature translational stop signal (p.Leu14Profs*179) in the NAGLU gene. It is expected to result in an absent or disrupted protein product. Loss-of-function variants in NAGLU are known to be pathogenic (PMID: 9832037, 10094189, 16151907). This variant is not present in population databases (gnomAD no frequency). This variant has not been reported in the literature in individuals affected with NAGLU-related conditions. For these reasons, this variant has been classified as Pathogenic.

Literature cited by the submitters: PubMed 9832037 (cited by Labcorp Genetics (formerly Invitae), Labcorp); PubMed 10094189 (cited by Labcorp Genetics (formerly Invitae), Labcorp); PubMed 16151907 (cited by Labcorp Genetics (formerly Invitae), Labcorp).